The following is an entry in ClinVar:

NM_001211.6(BUB1B):c.2894T>C (p.Phe965Ser)

Genes: BUB1B (BUB1 mitotic checkpoint serine/threonine kinase B; plus strand), BUB1B-PAK6 (BUB1B-PAK6 readthrough; plus strand). Cytogenetic location: 15q15.1.
Variant type: single nucleotide variant.
Coding change: c.2894T>C on transcript NM_001211.6 (MANE Select); coding-DNA position 2894, T replaced by C.
Protein change: p.Phe965Ser; replaces phenylalanine 965 with serine.
Molecular consequence: missense variant. On other transcripts: intron variant (2).
Genome position (GRCh38, 1-based): chr15:40,218,499, T>C. VCF-style: chr15-40218499-T-C. GRCh37 (hg19) VCF-style: chr15-40510700-T-C.
Other names: c.-201+832T>C (NM_001128628.3); c.-118+832T>C (NM_001128629.3); short protein forms F965S.
Identifiers: ClinVar variation 4599907 (VCV004599907.1).
Genomic context (GRCh38, chr15:40,218,499, plus strand): 5'-GCTTTTTGTGATTTCAGGTAGACCTGTTTGGTATAGCAGATTTAGCACATTTACTATTGT[T>C]CAAGGAACACCTACAGGTCTTCTGGGATGGGTCCTTCTGGAAACTTAGCCAAAATATTTC-3'
Protein context (NP_001202.5, residues 955-975): GIADLAHLLL[Phe965Ser]KEHLQVFWDG

ClinVar aggregate classification (germline): Uncertain significance (1 of 4 stars; one submission).

Conditions:
Inborn genetic diseases. Identifiers: MedGen C0950123, MeSH D030342.

Submission:

Ambry Genetics
Classification: Uncertain significance for Inborn genetic diseases. Last evaluated: 2025-10-15. Review status: criteria provided, single submitter. Criteria: Ambry Variant Classification Scheme 2023. Collection method: clinical testing. Allele origin: germline.
Comment: The p.F965S variant (also known as c.2894T>C), located in coding exon 22 of the BUB1B gene, results from a T to C substitution at nucleotide position 2894. The phenylalanine at codon 965 is replaced by serine, an amino acid with highly dissimilar properties. This amino acid position is conserved. In addition, the in silico prediction for this alteration is inconclusive. Based on the available evidence, the clinical significance of this variant remains unclear.